The following is an entry in ClinVar:

ClinVar aggregate classification (germline): Uncertain significance. Review status: criteria provided, single submitter (1 of 4 stars). 2 submissions from 2 submitters: Uncertain significance (1). 1 of the submissions does not count toward it. Last evaluated 2024-12-16.

Conditions:
Retinal dystrophy. Also called: Inherited retinal dystrophy. Identifiers: Orphanet 71862, MedGen C0854723, MeSH D058499, MONDO:0019118, HP:0000556.

Allele frequency attached by ClinVar (database versions not stated): ExAC below 0.00001; gnomAD 0.00001; gnomAD exomes 0.00002; TOPMed 0.00002.
gnomAD v4.1: 32 of 1,581,144 alleles (0.002%); highest among the groups gnomAD compares: South Asian, 0.0035%; no homozygotes.

Submissions (2):

Labcorp Genetics (formerly Invitae), Labcorp
Classification: Uncertain significance. Last evaluated: 2024-12-16. Review status: criteria provided, single submitter. Criteria: Invitae Variant Classification Sherloc (09022015). Collection method: clinical testing. Allele origin: germline.
Comment: This sequence change creates a premature translational stop signal (p.Arg1184*) in the DHX38 gene. It is expected to result in an absent or disrupted protein product. However, the current clinical and genetic evidence is not sufficient to establish whether loss-of-function variants in DHX38 cause disease. The frequency data for this variant in the population databases is considered unreliable, as metrics indicate poor data quality at this position in the gnomAD database. This variant has not been reported in the literature in individuals affected with DHX38-related conditions. ClinVar contains an entry for this variant (Variation ID: 851502). In summary, the available evidence is currently insufficient to determine the role of this variant in disease. Therefore, it has been classified as a Variant of Uncertain Significance.

Institute of Human Genetics, Univ. Regensburg, Univ. Regensburg
Classification: Uncertain significance for Retinal dystrophy. Last evaluated: 2018-01-01. Review status: no assertion criteria provided. Criteria: ACMG Guidelines, 2015. Collection method: clinical testing. Allele origin: germline. Affected: yes. Not counted in ClinVar's aggregate classification.

NM_014003.4(DHX38):c.3550C>T (p.Arg1184Ter)

Gene: DHX38 (DEAH-box helicase 38; plus strand). Cytogenetic location: 16q22.2.
Variant type: single nucleotide variant.
Coding change: c.3550C>T on transcript NM_014003.4 (MANE Select); coding-DNA position 3550, C replaced by T.
Protein change: p.Arg1184Ter; replaces arginine 1184 with a stop codon.
Molecular consequence: nonsense.
Genome position (GRCh38, 1-based): chr16:72,111,028, C>T. VCF-style: chr16-72111028-C-T. GRCh37 (hg19) VCF-style: chr16-72144927-C-T.
Other names: short protein forms R1184*.
Identifiers: ClinVar variation 851502 (VCV000851502.7), dbSNP rs771877681, ClinGen allele CA8161028.
Genomic context (GRCh38, chr16:72,111,028, plus strand): 5'-CGGGCCAAAGAGGAAGCCTCTGCCATGGAGGAGGAGATGGCGCTGGCCGAGGAGCAGCTG[C>T]GAGCCCGGCGGCAGGAGCAGGAGAAGCGCAGCCCCCTGGGCAGTGTCAGGTGAGCTCCGG-3'